The following is an entry in ClinVar:

ClinVar aggregate classification (germline): Pathogenic (1 of 4 stars; one submission).

Submission:

Labcorp Genetics (formerly Invitae), Labcorp
Classification: Pathogenic. Last evaluated: 2021-12-25. Review status: criteria provided, single submitter. Criteria: Invitae Variant Classification Sherloc (09022015). Collection method: clinical testing. Allele origin: germline.
Comment: For these reasons, this variant has been classified as Pathogenic. ClinVar contains an entry for this variant (Variation ID: 1070892). This premature translational stop signal has been observed in individual(s) with X-linked hypophosphatemia (PMID: 14564077). This variant is not present in population databases (gnomAD no frequency). This sequence change creates a premature translational stop signal (p.Gln428*) in the PHEX gene. It is expected to result in an absent or disrupted protein product. Loss-of-function variants in PHEX are known to be pathogenic (PMID: 9097956, 9106524, 19219621).

Literature cited by the submitters: PubMed 14564077; PubMed 9097956; PubMed 9106524; PubMed 19219621.

NM_000444.6(PHEX):c.1282C>T (p.Gln428Ter)

Gene: PHEX (phosphate regulating endopeptidase X-linked; plus strand). Cytogenetic location: Xp22.11.
Variant type: single nucleotide variant.
Coding change: c.1282C>T on transcript NM_000444.6 (MANE Select); coding-DNA position 1282, C replaced by T.
Protein change: p.Gln428Ter; replaces glutamine 428 with a stop codon.
Molecular consequence: nonsense.
Genome position (GRCh38, 1-based): chrX:22,114,566, C>T. VCF-style: chrX-22114566-C-T. GRCh37 (hg19) VCF-style: chrX-22132684-C-T.
Other names: c.1282C>T, p.Gln428Ter (NM_001282754.2); short protein forms Q428*.
Identifiers: ClinVar variation 1070892 (VCV001070892.9), dbSNP rs2147065777, ClinGen allele CA412573707.